The following is an entry in ClinVar:

NM_153026.3(PRICKLE1):c.1956G>T (p.Met652Ile)

Gene: PRICKLE1 (prickle planar cell polarity protein 1; minus strand). Cytogenetic location: 12q12.
Variant type: single nucleotide variant.
Coding change: c.1956G>T on transcript NM_153026.3 (MANE Select); coding-DNA position 1956, G replaced by T.
Protein change: p.Met652Ile; replaces methionine 652 with isoleucine.
Molecular consequence: missense variant.
Genome position (GRCh38, 1-based): chr12:42,460,349, C>A on the plus strand (G>T on the coding strand, the complement: PRICKLE1 is on the minus strand). VCF-style: chr12-42460349-C-A. GRCh37 (hg19) VCF-style: chr12-42854151-C-A.
Other names: c.1956G>T, p.Met652Ile (NM_001144881.2, NM_001144882.2, NM_001144883.2); short protein forms M652I.
Identifiers: ClinVar variation 1415690 (VCV001415690.8), dbSNP rs2140087105, ClinGen allele CA384440513.

ClinVar aggregate classification (germline): Uncertain significance (1 of 4 stars; one submission).

Conditions:
Epilepsy, progressive myoclonic, 1B. Also called: PME. Identifiers: Orphanet 308, MedGen C2676254, MONDO:0012904, OMIM 612437.

Allele frequency attached by ClinVar (database versions not stated): gnomAD exomes 0.00001.
gnomAD v4.1: 9 of 1,614,130 alleles (0.00056%); highest among the groups gnomAD compares: Non-Finnish European, 0.00076%; no homozygotes.

Submission:

Labcorp Genetics (formerly Invitae), Labcorp
Classification: Uncertain significance for Epilepsy, progressive myoclonic, 1B. Last evaluated: 2021-03-05. Review status: criteria provided, single submitter. Criteria: Invitae Variant Classification Sherloc (09022015). Collection method: clinical testing. Allele origin: germline.
Comment: In summary, the available evidence is currently insufficient to determine the role of this variant in disease. Therefore, it has been classified as a Variant of Uncertain Significance. Algorithms developed to predict the effect of missense changes on protein structure and function are either unavailable or do not agree on the potential impact of this missense change (SIFT: "Deleterious"; PolyPhen-2: "Benign"; Align-GVGD: "Class C0"). This variant has not been reported in the literature in individuals with PRICKLE1-related conditions. This variant is not present in population databases (ExAC no frequency). This sequence change replaces methionine with isoleucine at codon 652 of the PRICKLE1 protein (p.Met652Ile). The methionine residue is highly conserved and there is a small physicochemical difference between methionine and isoleucine.